The following is an entry in ClinVar:

NM_000742.4(CHRNA2):c.1222G>A (p.Val408Met)

Gene: CHRNA2 (cholinergic receptor nicotinic alpha 2 subunit; minus strand). Cytogenetic location: 8p21.2.
Variant type: single nucleotide variant.
Coding change: c.1222G>A on transcript NM_000742.4 (MANE Select); coding-DNA position 1222, G replaced by A.
Protein change: p.Val408Met; replaces valine 408 with methionine.
Molecular consequence: missense variant.
Genome position (GRCh38, 1-based): chr8:27,463,221, C>T on the plus strand (G>A on the coding strand, the complement: CHRNA2 is on the minus strand). VCF-style: chr8-27463221-C-T. GRCh37 (hg19) VCF-style: chr8-27320738-C-T.
Other names: c.1177G>A, p.Val393Met (NM_001282455.2); c.745G>A, p.Val249Met (NM_001347705.2, NM_001347706.2); c.628G>A, p.Val210Met (NM_001347707.2, NM_001347708.2); short protein forms V210M, V249M, V393M, V408M.
Identifiers: ClinVar variation 1007231 (VCV001007231.5), dbSNP rs771994243, ClinGen allele CA370809133.

ClinVar aggregate classification (germline): Uncertain significance (1 of 4 stars; one submission).

Conditions:
Familial sleep-related hypermotor epilepsy. Also called: Autosomal Dominant Sleep-Related Hypermotor (Hyperkinetic) Epilepsy. Identifiers: Orphanet 98784, MedGen C3696898, MONDO:0000030.

Allele frequency attached by ClinVar (database versions not stated): TOPMed 0.00002.
gnomAD v4.1: 23 of 1,590,404 alleles (0.0014%); highest among the groups gnomAD compares: East Asian, 0.0022%; no homozygotes.

Submission:

Labcorp Genetics (formerly Invitae), Labcorp
Classification: Uncertain significance. Last evaluated: 2025-03-19. Review status: criteria provided, single submitter. Criteria: Invitae Variant Classification Sherloc (09022015). Collection method: clinical testing. Allele origin: germline.
Comment: This sequence change replaces valine, which is neutral and non-polar, with methionine, which is neutral and non-polar, at codon 408 of the CHRNA2 protein (p.Val408Met). This variant is present in population databases (no rsID available, gnomAD 0.003%). This variant has not been reported in the literature in individuals affected with CHRNA2-related conditions. ClinVar contains an entry for this variant (Variation ID: 1007231). Invitae Evidence Modeling of protein sequence and biophysical properties (such as structural, functional, and spatial information, amino acid conservation, physicochemical variation, residue mobility, and thermodynamic stability) indicates that this missense variant is not expected to disrupt CHRNA2 protein function with a negative predictive value of 80%. In summary, the available evidence is currently insufficient to determine the role of this variant in disease. Therefore, it has been classified as a Variant of Uncertain Significance.